The following is an entry in ClinVar:

NM_000132.4(F8):c.1658C>G (p.Ser553Cys)

Gene: F8 (coagulation factor VIII; minus strand). Cytogenetic location: Xq28.
Variant type: single nucleotide variant.
Coding change: c.1658C>G on transcript NM_000132.4 (MANE Select); coding-DNA position 1658, C replaced by G.
Protein change: p.Ser553Cys; replaces serine 553 with cysteine.
Molecular consequence: missense variant.
Genome position (GRCh38, 1-based): chrX:154,957,051, G>C on the plus strand (C>G on the coding strand, the complement: F8 is on the minus strand). VCF-style: chrX-154957051-G-C. GRCh37 (hg19) VCF-style: chrX-154185326-G-C.
Other names: short protein forms S553C.
Identifiers: ClinVar variation 3063723 (VCV003063723.2), dbSNP rs2523942271, ClinGen allele CA414911812.

ClinVar aggregate classification (germline): Conflicting classifications of pathogenicity. Review status: criteria provided, conflicting classifications (1 of 4 stars). 2 submissions from 2 submitters: Pathogenic (1); Uncertain significance (1). Last evaluated 2024-02-27.

Conditions:
Hereditary factor VIII deficiency disease (HEMA). Also called: Hemophilia A; Hemophilia A, congenital; HEM A; Factor 8 deficiency, congenital; HEMOPHILIA, CLASSIC; AUTOSOMAL HEMOPHILIA A. Identifiers: Orphanet 98878, MedGen C0019069, MONDO:0010602, OMIM 306700.

Allele frequency attached by ClinVar (database versions not stated): gnomAD exomes below 0.00001.
gnomAD v4.1: 1 of 1,209,234 alleles (0.000083%); highest among the groups gnomAD compares: Non-Finnish European, 0.00011%; no homozygotes.

Submissions (2):

ARUP Laboratories, Molecular Genetics and Genomics, ARUP Laboratories
Classification: Uncertain significance. Last evaluated: 2024-02-27. Review status: criteria provided, single submitter. Criteria: ARUP Molecular Germline Variant Investigation Process 2024. Collection method: clinical testing. Allele origin: germline.
Comment: The F8 c.1658C>G p.Ser553Cys variant is reported in the literature in a single individual affected with mild factor VIII deficiency (Green 2008). This variant is absent from the Genome Aggregation Database (v2.1.1), indicating it is not a common polymorphism. Computational analyses predict that this variant is deleterious (REVEL: 0.722). Due to limited information, the clinical significance of this variant is uncertain at this time. References: Green PM et al. Haemophilia A mutations in the UK: results of screening one-third of the population. Br J Haematol. 2008 Oct;143(1):115-28. PMID: 18691168.

Women's Health and Genetics/Laboratory Corporation of America, LabCorp
Classification: Pathogenic for Hereditary factor VIII deficiency disease. Last evaluated: 2024-01-31. Review status: criteria provided, single submitter. Criteria: LabCorp Variant Classification Summary - May 2015. Collection method: clinical testing. Allele origin: germline.
Comment: Variant summary: F8 c.1658C>G (p.Ser553Cys) results in a non-conservative amino acid change located in the Multicopper oxidase-like, N-terminal domain (IPR011707) of the encoded protein sequence. Three of five in-silico tools predict a damaging effect of the variant on protein function. The variant was absent in 183446 control chromosomes (gnomAD). c.1658C>G has been reported in the literature in multiple individuals affected with Factor VIII Deficiency (Hemophilia A; Green_2008, Seary_2012, Eckhardt_2013, Rydz_2013). These data indicate that the variant is very likely to be associated with disease. The following publications have been ascertained in the context of this evaluation (PMID: 18691168, 23926300, 23913812, 21592259). No submitters have cited clinical-significance assessments for this variant to ClinVar. Based on the evidence outlined above, the variant was classified as pathogenic.

Literature cited by the submitters: PubMed 23926300 (cited by Women's Health and Genetics/Laboratory Corporation of America, LabCorp); PubMed 18691168 (cited by Women's Health and Genetics/Laboratory Corporation of America, LabCorp); PubMed 23913812 (cited by Women's Health and Genetics/Laboratory Corporation of America, LabCorp); PubMed 21592259 (cited by Women's Health and Genetics/Laboratory Corporation of America, LabCorp).